The following is an entry in ClinVar:

ClinVar aggregate classification (germline): Uncertain significance. Review status: criteria provided, multiple submitters, no conflicts (2 of 4 stars). 2 submissions from 2 submitters: Uncertain significance (2). Last evaluated 2024-10-26.

Conditions:
Hereditary cancer-predisposing syndrome. Also called: Hereditary Cancer Syndrome; Hereditary neoplastic syndrome; Neoplastic Syndromes, Hereditary; Tumor predisposition. Identifiers: Orphanet 140162, MedGen C0027672, MeSH D009386, MONDO:0015356.
Gastrointestinal stromal tumor. Also called: Gastrointestinal stromal tumor, somatic; Gastrointestinal stroma tumor. Identifiers: Orphanet 44890, MedGen C0238198, MeSH D046152, MONDO:0011719, OMIM 606764, HP:0100723.

Allele frequency attached by ClinVar (database versions not stated): TOPMed below 0.00001.

Submissions (2):

Labcorp Genetics (formerly Invitae), Labcorp
Classification: Uncertain significance for Gastrointestinal stromal tumor. Last evaluated: 2024-10-26. Review status: criteria provided, single submitter. Criteria: Invitae Variant Classification Sherloc (09022015). Collection method: clinical testing. Allele origin: germline.
Comment: This sequence change replaces methionine, which is neutral and non-polar, with valine, which is neutral and non-polar, at codon 734 of the PDGFRA protein (p.Met734Val). This variant is not present in population databases (gnomAD no frequency). This variant has not been reported in the literature in individuals affected with PDGFRA-related conditions. ClinVar contains an entry for this variant (Variation ID: 2587717). Invitae Evidence Modeling of protein sequence and biophysical properties (such as structural, functional, and spatial information, amino acid conservation, physicochemical variation, residue mobility, and thermodynamic stability) indicates that this missense variant is expected to disrupt PDGFRA protein function with a positive predictive value of 80%. In summary, the available evidence is currently insufficient to determine the role of this variant in disease. Therefore, it has been classified as a Variant of Uncertain Significance.

Ambry Genetics
Classification: Uncertain significance for Hereditary cancer-predisposing syndrome. Last evaluated: 2023-07-15. Review status: criteria provided, single submitter. Criteria: Ambry Variant Classification Scheme 2023. Collection method: clinical testing. Allele origin: germline.
Comment: The p.M734V variant (also known as c.2200A>G), located in coding exon 15 of the PDGFRA gene, results from an A to G substitution at nucleotide position 2200. The methionine at codon 734 is replaced by valine, an amino acid with highly similar properties. This amino acid position is conserved. In addition, this alteration is predicted to be deleterious by in silico analysis. Since supporting evidence is limited at this time, the clinical significance of this alteration remains unclear.

NM_006206.6(PDGFRA):c.2200A>G (p.Met734Val)

Gene: PDGFRA (platelet derived growth factor receptor alpha; plus strand). Cytogenetic location: 4q12.
Variant type: single nucleotide variant.
Coding change: c.2200A>G on transcript NM_006206.6 (MANE Select); coding-DNA position 2200, A replaced by G.
Protein change: p.Met734Val; replaces methionine 734 with valine.
Molecular consequence: missense variant.
Genome position (GRCh38, 1-based): chr4:54,280,359, A>G. VCF-style: chr4-54280359-A-G. GRCh37 (hg19) VCF-style: chr4-55146526-A-G.
Other names: c.2200A>G, p.Met734Val (NM_001347827.2, NM_001347829.2); c.2275A>G, p.Met759Val (NM_001347828.2); c.2239A>G, p.Met747Val (NM_001347830.2); short protein forms M734V, M759V, M747V.
Identifiers: ClinVar variation 2587717 (VCV002587717.4), dbSNP rs1724003553, ClinGen allele CA356894289.